The following is an entry in ClinVar:

ClinVar aggregate classification (germline): Conflicting classifications of pathogenicity. Review status: criteria provided, conflicting classifications (1 of 4 stars). 4 submissions from 4 submitters: Uncertain significance (1); Likely benign (3). Last evaluated 2024-11-09.

Conditions:
Retinitis pigmentosa 12 (RP12). Also called: RP WITH OR WITHOUT PRESERVED PARAARTERIOLE RETINAL PIGMENT EPITHELIUM; RETINITIS PIGMENTOSA WITH OR WITHOUT PARAARTERIOLAR PRESERVATION OF RETINAL PIGMENT EPITHELIUM; RP WITH OR WITHOUT PPRPE. Identifiers: Orphanet 791, MedGen C1838647, MONDO:0010818, OMIM 600105.
Leber congenital amaurosis 8 (LCA8). Identifiers: Orphanet 65, MedGen C3151202, MONDO:0013453, OMIM 613835.
CRB1-related disorder. Also called: CRB1-related condition; CRB1-related disorders.

Allele frequency attached by ClinVar (database versions not stated): TOPMed below 0.00001; gnomAD 0.00001; gnomAD exomes 0.00001.
gnomAD v4.1: 13 of 1,611,376 alleles (0.00081%); highest among the groups gnomAD compares: Non-Finnish European, 0.001%; no homozygotes.

Submissions (4):

PreventionGenetics, part of Exact Sciences
Classification: Likely benign for CRB1-related condition. Last evaluated: 2024-11-09. Review status: criteria provided, single submitter. Criteria: ACMG Guidelines, 2015. Collection method: clinical testing. Allele origin: germline.
Comment: This variant is classified as likely benign based on ACMG/AMP sequence variant interpretation guidelines (Richards et al. 2015 PMID: 25741868, with internal and published modifications).

Labcorp Genetics (formerly Invitae), Labcorp
Classification: Likely benign for Leber congenital amaurosis 8; Retinitis pigmentosa 12. Last evaluated: 2023-11-28. Review status: criteria provided, single submitter. Criteria: Invitae Variant Classification Sherloc (09022015). Collection method: clinical testing. Allele origin: germline.

Blueprint Genetics
Classification: Likely benign. Last evaluated: 2022-09-01. Review status: criteria provided, single submitter. Criteria: ACMG Guidelines, 2015. Collection method: clinical testing. Allele origin: germline.

Eurofins Ntd Llc (ga)
Classification: Uncertain significance. Last evaluated: 2016-02-05. Review status: criteria provided, single submitter. Criteria: EGL Classification Definitions 2015. Collection method: clinical testing. Allele origin: germline. Observed: 1 variant allele, 1 heterozygote.

NM_201253.3(CRB1):c.3878+10A>G

Gene: CRB1 (crumbs cell polarity complex component 1; plus strand). Cytogenetic location: 1q31.3.
Variant type: single nucleotide variant.
Coding change: c.3878+10A>G on transcript NM_201253.3 (MANE Select); 10 bases into the intron after coding-DNA position 3878, A replaced by G.
Molecular consequence: intron variant.
Genome position (GRCh38, 1-based): chr1:197,438,685, A>G. VCF-style: chr1-197438685-A-G. GRCh37 (hg19) VCF-style: chr1-197407815-A-G.
Other names: c.3878+10A>G (NM_201253.2); c.3806+10A>G (NM_001257965.2); c.2270+10A>G (NM_001257966.2); c.3542+10A>G (NM_001193640.2).
Identifiers: ClinVar variation 286107 (VCV000286107.15), dbSNP rs886043311, ClinGen allele CA10605364.